The following is an entry in ClinVar:

ClinVar aggregate classification (germline): Uncertain significance (1 of 4 stars; one submission).

Conditions:
Tuberous sclerosis 1 (TSC1). Identifiers: Orphanet 805, MedGen C1854465, MONDO:0008612, OMIM 191100.

Submission:

Labcorp Genetics (formerly Invitae), Labcorp
Classification: Uncertain significance for Tuberous sclerosis 1. Last evaluated: 2026-01-06. Review status: criteria provided, single submitter. Criteria: Invitae Variant Classification Sherloc (09022015). Collection method: clinical testing. Allele origin: germline.
Comment: This sequence change replaces glutamic acid, which is acidic and polar, with glycine, which is neutral and non-polar, at codon 991 of the TSC1 protein (p.Glu991Gly). Information on the frequency of this variant in the gnomAD database is not available, as this variant may be reported differently in the database. This variant has not been reported in the literature in individuals affected with TSC1-related conditions. An algorithm developed to predict the effect of missense changes on protein structure and function (PolyPhen-2) suggests that this variant is likely to be tolerated. In summary, the available evidence is currently insufficient to determine the role of this variant in disease. Therefore, it has been classified as a Variant of Uncertain Significance.

NM_000368.5(TSC1):c.2972_2973delinsGT (p.Glu991Gly)

Gene: TSC1 (TSC complex subunit 1; minus strand). Cytogenetic location: 9q34.13.
Variant type: Indel.
Coding change: c.2972_2973delinsGT on transcript NM_000368.5 (MANE Select); coding-DNA positions 2972 to 2973, AA replaced by GT.
Protein change: p.Glu991Gly; replaces glutamic acid 991 with glycine.
Molecular consequence: missense variant. On other transcripts: non-coding transcript variant (5).
Genome position (GRCh38, 1-based): chr9:132,897,186-132,897,187, TT replaced by AC on the plus strand (AA replaced by GT on the coding strand, the reverse complement: TSC1 is on the minus strand). VCF-style: chr9-132897186-TT-AC. GRCh37 (hg19) VCF-style: chr9-135772573-TT-AC.
Other names: c.2969_2970delinsGT, p.Glu990Gly (NM_001162426.2, NM_001406597.1, NM_001406598.1 and 2 more transcripts); c.2819_2820delinsGT, p.Glu940Gly (NM_001162427.2, NM_001406610.1); c.2609_2610delinsGT, p.Glu870Gly (NM_001362177.2, NM_001406614.1, NM_001406615.1 and 4 more transcripts); c.2972_2973delinsGT, p.Glu991Gly (NM_001406592.1, NM_001406593.1, NM_001406594.1 and 2 more transcripts); c.2930_2931delinsGT, p.Glu977Gly (NM_001406605.1, NM_001406606.1, NM_001406607.1); c.2927_2928delinsGT, p.Glu976Gly (NM_001406608.1, NM_001406609.1); c.2816_2817delinsGT, p.Glu939Gly (NM_001406611.1, NM_001406612.1); c.2606_2607delinsGT, p.Glu869Gly (NM_001406623.1, NM_001406620.1, NM_001406621.1 and 1 more transcripts); and 8 more; short protein forms E673G, E674G, E855G, E939G, E976G, E640G, E869G, E870G.
Identifiers: ClinVar variation 4734786 (VCV004734786.1).